The following is an entry in ClinVar:

ClinVar aggregate classification (germline): Uncertain significance (1 of 4 stars; one submission).

Conditions:
Intellectual developmental disorder, autosomal dominant 1. Also called: Intellectual disability, autosomal dominant 1; MBD5 Haploinsufficiency. Identifiers: Orphanet 228402, MedGen C1969562, MONDO:0007974, OMIM 156200.

Submission:

Labcorp Genetics (formerly Invitae), Labcorp
Classification: Uncertain significance for Intellectual developmental disorder, autosomal dominant 1. Last evaluated: 2022-07-12. Review status: criteria provided, single submitter. Criteria: Invitae Variant Classification Sherloc (09022015). Collection method: clinical testing. Allele origin: germline.
Comment: In summary, the available evidence is currently insufficient to determine the role of this variant in disease. Therefore, it has been classified as a Variant of Uncertain Significance. Algorithms developed to predict the effect of missense changes on protein structure and function are either unavailable or do not agree on the potential impact of this missense change (SIFT: "Deleterious"; PolyPhen-2: "Benign"; Align-GVGD: "Class C0"). ClinVar contains an entry for this variant (Variation ID: 1469229). This variant has not been reported in the literature in individuals affected with MBD5-related conditions. This variant is not present in population databases (gnomAD no frequency). This sequence change replaces isoleucine, which is neutral and non-polar, with leucine, which is neutral and non-polar, at codon 828 of the MBD5 protein (p.Ile828Leu).

NM_001378120.1(MBD5):c.2482A>C (p.Ile828Leu)

Gene: MBD5 (methyl-CpG binding domain protein 5; plus strand). Cytogenetic location: 2q23.1.
Variant type: single nucleotide variant.
Coding change: c.2482A>C on transcript NM_001378120.1 (MANE Select); coding-DNA position 2482, A replaced by C.
Protein change: p.Ile828Leu; replaces isoleucine 828 with leucine.
Molecular consequence: missense variant.
Genome position (GRCh38, 1-based): chr2:148,470,425, A>C. VCF-style: chr2-148470425-A-C. GRCh37 (hg19) VCF-style: chr2-149227994-A-C.
Other names: c.2482A>C, p.Ile828Leu (NM_018328.5); short protein forms I828L.
Identifiers: ClinVar variation 1469229 (VCV001469229.8), dbSNP rs2105643462, ClinGen allele CA348721956.
Genomic context (GRCh38, chr2:148,470,425, plus strand): 5'-CATCCCAATCCACCTCAGTCAAGAATTTCAACGTCCTCCACTCCAGTGATACCAAACAGC[A>C]TTGTTAGCAGCTATAATCAAACAAGTTCTGAAGCAGGTATGGTTTTATTAGAAAAAAGTA-3'
Protein context (NP_001365049.1, residues 818-838): TSSTPVIPNS[Ile828Leu]VSSYNQTSSE